The following is an entry in ClinVar:

ClinVar aggregate classification (germline): Uncertain significance (1 of 4 stars; one submission).

Allele frequency attached by ClinVar (database versions not stated): gnomAD exomes below 0.00001; ExAC 0.00001.
gnomAD v4.1: 1 of 1,613,584 alleles (0.000062%); highest among the groups gnomAD compares: Non-Finnish European, 0.000085%; no homozygotes.

Submission:

Labcorp Genetics (formerly Invitae), Labcorp
Classification: Uncertain significance. Last evaluated: 2023-07-17. Review status: criteria provided, single submitter. Criteria: Invitae Variant Classification Sherloc (09022015). Collection method: clinical testing. Allele origin: germline.
Comment: An algorithm developed to predict the effect of missense changes on protein structure and function (PolyPhen-2) suggests that this variant is likely to be tolerated. This sequence change replaces threonine, which is neutral and polar, with isoleucine, which is neutral and non-polar, at codon 1595 of the TOP2B protein (p.Thr1595Ile). This variant is present in population databases (rs777323473, gnomAD 0.0009%). This variant has not been reported in the literature in individuals affected with TOP2B-related conditions. ClinVar contains an entry for this variant (Variation ID: 1353036). In summary, the available evidence is currently insufficient to determine the role of this variant in disease. Therefore, it has been classified as a Variant of Uncertain Significance.

NM_001330700.2(TOP2B):c.4799C>T (p.Thr1600Ile)

Gene: TOP2B (DNA topoisomerase II beta; minus strand). Cytogenetic location: 3p24.2.
Variant type: single nucleotide variant.
Coding change: c.4799C>T on transcript NM_001330700.2 (MANE Select); coding-DNA position 4799, C replaced by T.
Protein change: p.Thr1600Ile; replaces threonine 1600 with isoleucine.
Molecular consequence: missense variant.
Genome position (GRCh38, 1-based): chr3:25,598,389, G>A on the plus strand (C>T on the coding strand, the complement: TOP2B is on the minus strand). VCF-style: chr3-25598389-G-A. GRCh37 (hg19) VCF-style: chr3-25639880-G-A.
Other names: c.4784C>T, p.Thr1595Ile (NM_001068.3); short protein forms T1600I, T1595I.
Identifiers: ClinVar variation 1353036 (VCV001353036.6), dbSNP rs777323473, ClinGen allele CA2287966.
Genomic context (GRCh38, chr3:25,598,389, plus strand): 5'-ACATCATCTTCTTCTTCATCAGACTCTGCAAAATATTTTACTTCTTTCCTAGCCCGACCG[G>A]TTCGTGGCAGAGAAGGTGGCTCAGTAGGGAAGTCTGAGGGGAAGATGTCCACATCTGAAT-3'
Protein context (NP_001317629.1, residues 1590-1610): FPTEPPSLPR[Thr1600Ile]GRARKEVKYF